The following is an entry in ClinVar:

ClinVar aggregate classification (germline): Uncertain significance (1 of 4 stars; one submission).

Conditions:
Alzheimer disease 4 (AD4). Identifiers: Orphanet 1020, MedGen C1847200, MONDO:0011743, OMIM 606889.

Allele frequency attached by ClinVar (database versions not stated): TOPMed below 0.00001; ExAC 0.00001; gnomAD exomes 0.00002.
gnomAD v4.1: 53 of 1,613,816 alleles (0.0033%); highest among the groups gnomAD compares: Non-Finnish European, 0.0041%; no homozygotes.

Submission:

Labcorp Genetics (formerly Invitae), Labcorp
Classification: Uncertain significance for Alzheimer disease 4. Last evaluated: 2025-10-19. Review status: criteria provided, single submitter. Criteria: Invitae Variant Classification Sherloc (09022015). Collection method: clinical testing. Allele origin: germline.
Comment: This sequence change replaces serine, which is neutral and polar, with proline, which is neutral and non-polar, at codon 310 of the PSEN2 protein (p.Ser310Pro). This variant is present in population databases (rs781436525, gnomAD 0.004%). This variant has not been reported in the literature in individuals affected with PSEN2-related conditions. ClinVar contains an entry for this variant (Variation ID: 947401). Invitae Evidence Modeling of protein sequence and biophysical properties (such as structural, functional, and spatial information, amino acid conservation, physicochemical variation, residue mobility, and thermodynamic stability) indicates that this missense variant is not expected to disrupt PSEN2 protein function with a negative predictive value of 80%. In summary, the available evidence is currently insufficient to determine the role of this variant in disease. Therefore, it has been classified as a Variant of Uncertain Significance.

NM_000447.3(PSEN2):c.928T>C (p.Ser310Pro)

Gene: PSEN2 (presenilin 2; plus strand). Cytogenetic location: 1q42.13.
Variant type: single nucleotide variant.
Coding change: c.928T>C on transcript NM_000447.3 (MANE Select); coding-DNA position 928, T replaced by C.
Protein change: p.Ser310Pro; replaces serine 310 with proline.
Molecular consequence: missense variant.
Genome position (GRCh38, 1-based): chr1:226,891,319, T>C. VCF-style: chr1-226891319-T-C. GRCh37 (hg19) VCF-style: chr1-227079020-T-C.
Other names: c.928T>C, p.Ser310Pro (NM_012486.3); short protein forms S310P.
Identifiers: ClinVar variation 947401 (VCV000947401.10), dbSNP rs781436525, ClinGen allele CA1424711.